The following is an entry in ClinVar:

ClinVar aggregate classification (germline): Uncertain significance. Review status: criteria provided, multiple submitters, no conflicts (2 of 4 stars). 4 submissions from 4 submitters: Uncertain significance (4). Last evaluated 2025-04-14.

Conditions:
Congenital disorder of deglycosylation (CDDG). Identifiers: MedGen C3808991, MONDO:0031376.
Congenital disorder of deglycosylation 1. Also called: NGLY1-Related Congenital Disorder of Deglycosylation; NGLY1-deficiency. Identifiers: Orphanet 404454, MedGen CN306977, MONDO:0800044, OMIM 615273.
Inborn genetic diseases. Identifiers: MedGen C0950123, MeSH D030342.

Submissions (4):

Ambry Genetics
Classification: Uncertain significance for Inborn genetic diseases. Last evaluated: 2025-04-14. Review status: criteria provided, single submitter. Criteria: Ambry Variant Classification Scheme 2023. Collection method: clinical testing. Allele origin: germline.
Comment: The c.-18_14dupGCCCGCTGGCGCTCAAGCATGGCGGCGGCGGC alteration is located in the 5' untranslated region (5'UTR) of the NGLY1 gene. This alteration consists of a duplication of 32 nucleotides upstream from the first translated codon. Based on insufficient or conflicting evidence, the clinical significance of this alteration remains unclear.

GeneDx
Classification: Uncertain significance. Last evaluated: 2024-08-09. Review status: criteria provided, single submitter. Criteria: GeneDx Variant Classification Process June 2021. Collection method: clinical testing. Allele origin: germline. Affected: yes.
Comment: Frameshift variant predicted to result in protein truncation or nonsense mediated decay in a gene for which loss of function is a known mechanism of disease; Has not been previously published as pathogenic or benign to our knowledge

Fulgent Genetics
Classification: Uncertain significance for Congenital disorder of deglycosylation 1. Last evaluated: 2022-03-17. Review status: criteria provided, single submitter. Criteria: ACMG Guidelines, 2015. Collection method: clinical testing. Allele origin: unknown.

Labcorp Genetics (formerly Invitae), Labcorp
Classification: Uncertain significance for Congenital disorder of deglycosylation. Last evaluated: 2021-12-02. Review status: criteria provided, single submitter. Criteria: Invitae Variant Classification Sherloc (09022015). Collection method: clinical testing. Allele origin: germline.
Comment: This variant occurs in a non-coding region of the NGLY1 gene. It does not change the encoded amino acid sequence of the NGLY1 protein. This variant is present in population databases (no rsID available, gnomAD 0.02%). This variant has not been reported in the literature in individuals affected with NGLY1-related conditions. In summary, the available evidence is currently insufficient to determine the role of this variant in disease. Therefore, it has been classified as a Variant of Uncertain Significance.

NM_018297.4(NGLY1):c.-18_14dup (p.Leu6fs)

Gene: NGLY1 (N-glycanase 1; minus strand). Cytogenetic location: 3p24.2.
Variant type: Duplication.
Coding change: c.-18_14dup on transcript NM_018297.4 (MANE Select); 18 bases upstream of the start codon through coding-DNA position 14, 32 bases duplicated.
Protein change: p.Leu6fs; shifts the reading frame from leucine 6.
Molecular consequence: frameshift variant, initiator codon variant. On other transcripts: intron variant (1).
Genome position (GRCh38, 1-based): chr3:25,783,377-25,783,408, 32 bases duplicated; duplicating any 32 consecutive bases within chr3:25,783,377-25,783,420 gives the same sequence; the c. name uses the placement nearest the transcript's 3' end. GRCh37 (hg19): chr3:25,824,880-25,824,911.
Other names: c.-18_14dup, p.Leu6fs (NM_001145293.2, NM_001145295.2); c.6-4720_6-4689dup (NM_001145294.2); c.-18_14dupGCCCGCTGGCGCTCAAGCATGGCGGCGGCGGC (NM_018297.3); short protein forms L6fs.
Identifiers: ClinVar variation 1505975 (VCV001505975.8), dbSNP rs762131179, ClinGen allele CA2289612.